The following is an entry in ClinVar:

ClinVar aggregate classification (germline): Uncertain significance. Review status: criteria provided, multiple submitters, no conflicts (2 of 4 stars). 3 submissions from 3 submitters: Uncertain significance (3). Last evaluated 2024-08-16.

Conditions:
Charcot-Marie-Tooth disease type 4. Also called: Charcot-Marie-Tooth disease, type IV; Charcot-Marie-Tooth, Type 4. Identifiers: Orphanet 64749, MedGen C4082197, MONDO:0018995.

Allele frequency attached by ClinVar (database versions not stated): gnomAD 0.00001; TOPMed 0.00001; gnomAD exomes 0.00002 and 0.00003; ExAC 0.00006; ESP Exome Variant Server 0.00008.
gnomAD v4.1: 35 of 1,613,842 alleles (0.0022%); highest among the groups gnomAD compares: Non-Finnish European, 0.0028%; no homozygotes.

Submissions (3):

Blueprint Genetics
Classification: Uncertain significance. Last evaluated: 2024-08-16. Review status: criteria provided, single submitter. Criteria: ACMG Guidelines, 2015. Collection method: clinical testing. Allele origin: germline.

Labcorp Genetics (formerly Invitae), Labcorp
Classification: Uncertain significance for Charcot-Marie-Tooth disease type 4. Last evaluated: 2024-01-24. Review status: criteria provided, single submitter. Criteria: Invitae Variant Classification Sherloc (09022015). Collection method: clinical testing. Allele origin: germline.
Comment: This sequence change replaces glutamic acid, which is acidic and polar, with aspartic acid, which is acidic and polar, at codon 752 of the FIG4 protein (p.Glu752Asp). This variant is present in population databases (rs375960403, gnomAD 0.007%). This variant has not been reported in the literature in individuals affected with FIG4-related conditions. ClinVar contains an entry for this variant (Variation ID: 1016190). An algorithm developed to predict the effect of missense changes on protein structure and function (PolyPhen-2) suggests that this variant is likely to be disruptive. In summary, the available evidence is currently insufficient to determine the role of this variant in disease. Therefore, it has been classified as a Variant of Uncertain Significance.

Athena Diagnostics
Classification: Uncertain significance. Last evaluated: 2021-06-24. Review status: criteria provided, single submitter. Criteria: Athena Diagnostics Criteria. Collection method: clinical testing. Allele origin: unknown.

NM_014845.6(FIG4):c.2256G>C (p.Glu752Asp)

Gene: FIG4 (FIG4 phosphoinositide 5-phosphatase; plus strand). Cytogenetic location: 6q21.
Variant type: single nucleotide variant.
Coding change: c.2256G>C on transcript NM_014845.6 (MANE Select); coding-DNA position 2256, G replaced by C.
Protein change: p.Glu752Asp; replaces glutamic acid 752 with aspartic acid.
Molecular consequence: missense variant.
Genome position (GRCh38, 1-based): chr6:109,791,451, G>C. VCF-style: chr6-109791451-G-C. GRCh37 (hg19) VCF-style: chr6-110112654-G-C.
Other names: short protein forms E752D.
Identifiers: ClinVar variation 1016190 (VCV001016190.8), dbSNP rs375960403, ClinGen allele CA3956336.